The following is an entry in ClinVar:

ClinVar aggregate classification (germline): Uncertain significance (1 of 4 stars; one submission).

Conditions:
Malignant hyperthermia, susceptibility to, 1 (MHS1). Also called: RYR1-Related Malignant Hyperthermia Susceptibility; Malignant hyperthermia suceptibility 1; Anesthesia related hyperthermia; Malignant hyperpyrexia; Fulminating hyperpyrexia; Pharmacogenic myopathy. Identifiers: Orphanet 423, MedGen C2930980, MONDO:0007783, OMIM 145600.

Submission:

Color Diagnostics, LLC DBA Color Health
Classification: Uncertain significance for Malignant hyperthermia, susceptibility to, 1. Last evaluated: 2025-08-17. Review status: criteria provided, single submitter. Criteria: ACMG Guidelines, 2015. Collection method: clinical testing. Allele origin: germline.
Comment: This variant is located in the RYR1 protein. To our knowledge, functional studies have not been reported for this variant. This variant has not been reported in individuals affected with RYR1-related disorders in the literature. This variant has not been identified in the general population by the Genome Aggregation Database (gnomAD). The available evidence is insufficient to determine the role of this variant in disease conclusively. Therefore, this variant is classified as a Variant of Uncertain Significance.

NM_000540.3(RYR1):c.4857C>G (p.Ala1619=)

Gene: RYR1 (ryanodine receptor 1; plus strand). Cytogenetic location: 19q13.2.
Variant type: single nucleotide variant.
Coding change: c.4857C>G on transcript NM_000540.3 (MANE Select); coding-DNA position 4857, C replaced by G.
Protein change: p.Ala1619=; no amino-acid change (alanine 1619 retained).
Molecular consequence: synonymous variant.
Genome position (GRCh38, 1-based): chr19:38,483,439, C>G. VCF-style: chr19-38483439-C-G. GRCh37 (hg19) VCF-style: chr19-38974079-C-G.
Other names: c.4857C>G, p.Ala1619= (NM_001042723.2).
Identifiers: ClinVar variation 4758059 (VCV004758059.1).